The following is an entry in ClinVar:

NM_001378454.1(ALMS1):c.5462del (p.Pro1821fs)

Gene: ALMS1 (ALMS1 centrosome and basal body associated protein; plus strand). Cytogenetic location: 2p13.1.
Variant type: Deletion.
Coding change: c.5462del on transcript NM_001378454.1 (MANE Select); coding-DNA position 5462, one base deleted (C; older notation c.5462delC).
Protein change: p.Pro1821fs; shifts the reading frame from proline 1821.
Molecular consequence: frameshift variant.
Genome position (GRCh38, 1-based): chr2:73,451,989, C deleted; the last of 2 consecutive C bases (chr2:73,451,988-73,451,989); deleting either gives the same sequence. VCF-style (leftmost placement, unchanged base first): chr2-73451987-GC-G. GRCh37 (hg19) VCF-style: chr2-73679114-GC-G.
Other names: c.5465del, p.Pro1822fs (NM_015120.4); c.5465delC (NM_015120.4); short protein forms P1822fs, P1821fs.
Identifiers: ClinVar variation 552876 (VCV000552876.10), dbSNP rs770264966, ClinGen allele CA1713889.

ClinVar aggregate classification (germline): Pathogenic/Likely pathogenic. Review status: criteria provided, multiple submitters, no conflicts (2 of 4 stars). 4 submissions from 4 submitters: Pathogenic (1); Likely pathogenic (2). 1 of the submissions does not count toward it. Last evaluated 2023-12-04.

Conditions:
ALMS1-related disorder. Also called: ALMS1-related condition.
Alstrom syndrome (ALMS). Identifiers: Orphanet 64, MedGen C0268425, MONDO:0008763, OMIM 203800.

Submissions (4):

Blueprint Genetics
Classification: Likely pathogenic for ALMS1-related disorders. Last evaluated: 2023-12-04. Review status: criteria provided, single submitter. Criteria: ACMG Guidelines, 2015. Collection method: clinical testing. Allele origin: germline. Affected: yes. Observed: 3 variant alleles.

Labcorp Genetics (formerly Invitae), Labcorp
Classification: Pathogenic for Alstrom syndrome. Last evaluated: 2023-10-26. Review status: criteria provided, single submitter. Criteria: Invitae Variant Classification Sherloc (09022015). Collection method: clinical testing. Allele origin: germline.
Comment: This sequence change creates a premature translational stop signal (p.Pro1822Argfs*8) in the ALMS1 gene. It is expected to result in an absent or disrupted protein product. Loss-of-function variants in ALMS1 are known to be pathogenic (PMID: 17594715). This variant is present in population databases (rs770264966, gnomAD 0.0009%). This variant has not been reported in the literature in individuals affected with ALMS1-related conditions. ClinVar contains an entry for this variant (Variation ID: 552876). For these reasons, this variant has been classified as Pathogenic.

Clinical Genetics Laboratory, Skane University Hospital Lund
Classification: Likely pathogenic. Last evaluated: 2023-03-30. Review status: criteria provided, single submitter. Criteria: ACMG Guidelines, 2015. Collection method: clinical testing. Allele origin: germline. Affected: yes.

Counsyl
Classification: Likely pathogenic for Alstrom syndrome. Last evaluated: 2017-07-20. Review status: no assertion criteria provided. Collection method: clinical testing. Allele origin: unknown. Not counted in ClinVar's aggregate classification.

Literature cited by the submitters: PubMed 17594715 (cited by Labcorp Genetics (formerly Invitae), Labcorp).